The following is an entry in ClinVar:

ClinVar aggregate classification (germline): Uncertain significance (1 of 4 stars; one submission).

Conditions:
Desbuquois dysplasia 1 (DBQD1). Also called: DESBUQUOIS DYSPLASIA 1, KIM VARIANT; MICROMELIC DWARFISM WITH VERTEBRAL AND METAPHYSEAL ABNORMALITIES AND ADVANCED CARPOTARSAL OSSIFICATION. Identifiers: Orphanet 1425, MedGen C4012146, MONDO:0009629, OMIM 251450.

Allele frequency attached by ClinVar (database versions not stated): TOPMed 0.00001; ExAC 0.00002; gnomAD exomes 0.00003 and 0.00004.

Submission:

Labcorp Genetics (formerly Invitae), Labcorp
Classification: Uncertain significance for Desbuquois dysplasia 1. Last evaluated: 2025-10-03. Review status: criteria provided, single submitter. Criteria: Invitae Variant Classification Sherloc (09022015). Collection method: clinical testing. Allele origin: germline.
Comment: This sequence change replaces glutamine, which is neutral and polar, with histidine, which is basic and polar, at codon 178 of the XYLT1 protein (p.Gln178His). This variant is present in population databases (rs142578304, gnomAD 0.08%). This variant has not been reported in the literature in individuals affected with XYLT1-related conditions. ClinVar contains an entry for this variant (Variation ID: 1396286). An algorithm developed to predict the effect of missense changes on protein structure and function (PolyPhen-2) suggests that this variant is likely to be tolerated. In summary, the available evidence is currently insufficient to determine the role of this variant in disease. Therefore, it has been classified as a Variant of Uncertain Significance.

NM_022166.4(XYLT1):c.534G>T (p.Gln178His)

Genes: XYLT1 (xylosyltransferase 1; minus strand), LOC130058566 (ATAC-STARR-seq lymphoblastoid active region 10505; plus strand). Cytogenetic location: 16p12.3.
Variant type: single nucleotide variant.
Coding change: c.534G>T on transcript NM_022166.4 (MANE Select); coding-DNA position 534, G replaced by T.
Protein change: p.Gln178His; replaces glutamine 178 with histidine.
Molecular consequence: missense variant.
Genome position (GRCh38, 1-based): chr16:17,259,367, C>A on the plus strand (G>T on the coding strand, the complement: XYLT1 is on the minus strand). VCF-style: chr16-17259367-C-A. GRCh37 (hg19) VCF-style: chr16-17353224-C-A.
Other names: short protein forms Q178H.
Identifiers: ClinVar variation 1396286 (VCV001396286.5), dbSNP rs142578304, ClinGen allele CA7928173.